The following is an entry in ClinVar:

ClinVar aggregate classification (germline): Uncertain significance (1 of 4 stars; one submission).

gnomAD v4.1: 2 of 1,607,880 alleles (0.00012%); highest among the groups gnomAD compares: Non-Finnish European, 0.00017%; no homozygotes.

Submission:

Women's Health and Genetics/Laboratory Corporation of America, LabCorp
Classification: Uncertain significance. Last evaluated: 2025-11-25. Review status: criteria provided, single submitter. Criteria: LabCorp Variant Classification Summary - May 2015. Collection method: clinical testing. Allele origin: germline.
Comment: Variant summary: CHD3 c.4816C>T (p.Leu1606Phe) results in a non-conservative amino acid change in the encoded protein sequence. Algorithms developed to predict the effect of missense changes on protein structure and function all suggest that this variant is likely to be disruptive. The variant was absent in 244792 control chromosomes. The available data on variant occurrences in the general population are insufficient to allow any conclusion about variant significance. To our knowledge, no occurrence of c.4816C>T in individuals affected with CHD3-related conditions and no experimental evidence demonstrating its impact on protein function have been reported. No submitters have cited clinical-significance assessments for this variant to ClinVar. Based on the evidence outlined above, the variant was classified as uncertain significance.

NM_001005273.3(CHD3):c.4816C>T (p.Leu1606Phe)

Gene: CHD3 (chromodomain helicase DNA binding protein 3; plus strand). Cytogenetic location: 17p13.1.
Variant type: single nucleotide variant.
Coding change: c.4816C>T on transcript NM_001005273.3 (MANE Select); coding-DNA position 4816, C replaced by T.
Protein change: p.Leu1606Phe; replaces leucine 1606 with phenylalanine.
Molecular consequence: missense variant.
Genome position (GRCh38, 1-based): chr17:7,907,380, C>T. VCF-style: chr17-7907380-C-T. GRCh37 (hg19) VCF-style: chr17-7810698-C-T.
Other names: c.4816C>T, p.Leu1606Phe (NM_005852.4); c.4993C>T, p.Leu1665Phe (NM_001005271.3, NM_001437504.1); c.4981C>T, p.Leu1661Phe (NM_001437507.1, NM_001437508.1, NM_001437509.1); short protein forms L1606F, L1661F, L1665F.
Identifiers: ClinVar variation 4537200 (VCV004537200.1).